The following is an entry in ClinVar:

ClinVar aggregate classification (germline): Uncertain significance (1 of 4 stars; one submission).

Conditions:
Evans syndrome, immunodeficiency, and premature immunosenescence associated with tripeptidyl-peptidase II deficiency. Identifiers: MedGen CN231723. Disease mechanism: loss of function.

Allele frequency attached by ClinVar (database versions not stated): gnomAD exomes 0.00001; ExAC 0.00002.
gnomAD v4.1: 11 of 1,609,874 alleles (0.00068%); highest among the groups gnomAD compares: East Asian, 0.0089%; no homozygotes.

Submission:

Labcorp Genetics (formerly Invitae), Labcorp
Classification: Uncertain significance for Evans syndrome, immunodeficiency, and premature immunosenescence associated with tripeptidyl-peptidase II deficiency. Last evaluated: 2025-12-08. Review status: criteria provided, single submitter. Criteria: Invitae Variant Classification Sherloc (09022015). Collection method: clinical testing. Allele origin: germline.
Comment: This sequence change replaces glycine, which is neutral and non-polar, with serine, which is neutral and polar, at codon 162 of the TPP2 protein (p.Gly162Ser). This variant is present in population databases (rs202026163, gnomAD 0.006%). This variant has not been reported in the literature in individuals affected with TPP2-related conditions. ClinVar contains an entry for this variant (Variation ID: 1922787). An algorithm developed to predict the effect of missense changes on protein structure and function outputs the following: PolyPhen-2: "Benign". The serine amino acid residue is found in multiple mammalian species, which suggests that this missense change does not adversely affect protein function. In summary, the available evidence is currently insufficient to determine the role of this variant in disease. Therefore, it has been classified as a Variant of Uncertain Significance.

NM_001330588.2(TPP2):c.484G>A (p.Gly162Ser)

Gene: TPP2 (tripeptidyl peptidase 2; plus strand). Cytogenetic location: 13q33.1.
Variant type: single nucleotide variant.
Coding change: c.484G>A on transcript NM_001330588.2 (MANE Select); coding-DNA position 484, G replaced by A.
Protein change: p.Gly162Ser; replaces glycine 162 with serine.
Molecular consequence: missense variant. On other transcripts: non-coding transcript variant (1).
Genome position (GRCh38, 1-based): chr13:102,616,489, G>A. VCF-style: chr13-102616489-G-A. GRCh37 (hg19) VCF-style: chr13-103268839-G-A.
Other names: c.484G>A, p.Gly162Ser (NM_001367947.1, NM_003291.4); short protein forms G162S.
Identifiers: ClinVar variation 1922787 (VCV001922787.5), dbSNP rs202026163, ClinGen allele CA7037523.